The following is an entry in ClinVar:

NM_014254.3(RXYLT1):c.268A>G (p.Lys90Glu)

Gene: RXYLT1 (ribitol xylosyltransferase 1; plus strand). Cytogenetic location: 12q14.2.
Variant type: single nucleotide variant.
Coding change: c.268A>G on transcript NM_014254.3 (MANE Select); coding-DNA position 268, A replaced by G.
Protein change: p.Lys90Glu; replaces lysine 90 with glutamic acid.
Molecular consequence: missense variant. On other transcripts: 5 prime UTR variant (1).
Genome position (GRCh38, 1-based): chr12:63,781,117, A>G. VCF-style: chr12-63781117-A-G. GRCh37 (hg19) VCF-style: chr12-64174897-A-G.
Other names: c.-513A>G (NM_001278237.2); c.268A>G (NM_014254.1); short protein forms K90E.
Identifiers: ClinVar variation 656495 (VCV000656495.7), dbSNP rs144932093, ClinGen allele CA6666032.

ClinVar aggregate classification (germline): Uncertain significance. Review status: criteria provided, multiple submitters, no conflicts (2 of 4 stars). 2 submissions from 2 submitters: Uncertain significance (2). Last evaluated 2024-12-10.

Conditions:
Inborn genetic diseases. Identifiers: MedGen C0950123, MeSH D030342.

Allele frequency attached by ClinVar (database versions not stated): ExAC 0.00002; gnomAD exomes 0.00003 and 0.00006; TOPMed 0.00006; gnomAD 0.00008; ESP Exome Variant Server 0.00015.
gnomAD v4.1: 106 of 1,608,870 alleles (0.0066%); highest among the groups gnomAD compares: Non-Finnish European, 0.0082%; no homozygotes.

Submissions (2):

Ambry Genetics
Classification: Uncertain significance for Inborn genetic diseases. Last evaluated: 2024-12-10. Review status: criteria provided, single submitter. Criteria: Ambry Variant Classification Scheme 2023. Collection method: clinical testing. Allele origin: germline.

Labcorp Genetics (formerly Invitae), Labcorp
Classification: Uncertain significance. Last evaluated: 2024-01-18. Review status: criteria provided, single submitter. Criteria: Invitae Variant Classification Sherloc (09022015). Collection method: clinical testing. Allele origin: germline.
Comment: This sequence change replaces lysine, which is basic and polar, with glutamic acid, which is acidic and polar, at codon 90 of the RXYLT1 protein (p.Lys90Glu). This variant is present in population databases (rs144932093, gnomAD 0.006%). This variant has not been reported in the literature in individuals affected with RXYLT1-related conditions. ClinVar contains an entry for this variant (Variation ID: 656495). Advanced modeling of protein sequence and biophysical properties (such as structural, functional, and spatial information, amino acid conservation, physicochemical variation, residue mobility, and thermodynamic stability) performed at Invitae indicates that this missense variant is not expected to disrupt RXYLT1 protein function with a negative predictive value of 80%. In summary, the available evidence is currently insufficient to determine the role of this variant in disease. Therefore, it has been classified as a Variant of Uncertain Significance.